The following is an entry in ClinVar:

ClinVar aggregate classification (germline): Uncertain significance. Review status: criteria provided, multiple submitters, no conflicts (2 of 4 stars). 3 submissions from 3 submitters: Uncertain significance (3). Last evaluated 2025-08-01.

Allele frequency attached by ClinVar (database versions not stated): ExAC 0.00001; gnomAD 0.00001; TOPMed 0.00001.

Submissions (3):

CeGaT Center for Human Genetics Tuebingen
Classification: Uncertain significance. Last evaluated: 2025-08-01. Review status: criteria provided, single submitter. Criteria: CeGaT Center For Human Genetics Tuebingen Variant Classification Criteria Version 2. Collection method: clinical testing. Allele origin: germline. Affected: yes. Observed: 2 variant alleles.
Comment: PDYN: PM2:Supporting, BP4

Labcorp Genetics (formerly Invitae), Labcorp
Classification: Uncertain significance. Last evaluated: 2025-06-12. Review status: criteria provided, single submitter. Criteria: Invitae Variant Classification Sherloc (09022015). Collection method: clinical testing. Allele origin: germline.
Comment: This sequence change replaces methionine, which is neutral and non-polar, with lysine, which is basic and polar, at codon 146 of the PDYN protein (p.Met146Lys). This variant is present in population databases (rs751547542, gnomAD 0.0009%). This variant has not been reported in the literature in individuals affected with PDYN-related conditions. ClinVar contains an entry for this variant (Variation ID: 1335455). Invitae Evidence Modeling of protein sequence and biophysical properties (such as structural, functional, and spatial information, amino acid conservation, physicochemical variation, residue mobility, and thermodynamic stability) indicates that this missense variant is not expected to disrupt PDYN protein function with a negative predictive value of 80%. In summary, the available evidence is currently insufficient to determine the role of this variant in disease. Therefore, it has been classified as a Variant of Uncertain Significance.

Athena Diagnostics
Classification: Uncertain significance. Last evaluated: 2025-04-25. Review status: criteria provided, single submitter. Criteria: Athena Diagnostics Criteria. Collection method: clinical testing. Allele origin: unknown.
Comment: Available data are insufficient to determine the clinical significance of the variant at this time. The frequency of this variant in the general population is uninformative in assessment of its pathogenicity. At least one other missense variant at this codon is considered to be benign or likely benign, suggesting this variant may not cause disease. Polyphen and MutationTaster predict this amino acid change may be benign.

NM_024411.5(PDYN):c.437T>A (p.Met146Lys)

Genes: PDYN (prodynorphin; minus strand), PDYN-AS1 (PDYN antisense RNA 1; plus strand). Cytogenetic location: 20p13.
Variant type: single nucleotide variant.
Coding change: c.437T>A on transcript NM_024411.5 (MANE Select); coding-DNA position 437, T replaced by A.
Protein change: p.Met146Lys; replaces methionine 146 with lysine.
Molecular consequence: missense variant.
Genome position (GRCh38, 1-based): chr20:1,980,651, A>T on the plus strand (T>A on the coding strand, the complement: PDYN is on the minus strand). VCF-style: chr20-1980651-A-T. GRCh37 (hg19) VCF-style: chr20-1961297-A-T.
Other names: c.437T>A, p.Met146Lys (NM_001190892.1, NM_001190898.3, NM_001190899.2 and 1 more transcripts); c.437T>A (NM_024411.4); short protein forms M146K.
Identifiers: ClinVar variation 1335455 (VCV001335455.41), dbSNP rs751547542, ClinGen allele CA9730298.